The following is an entry in ClinVar:

GRCh37/hg19 5q35.2-35.3(chr5:175332333-177469711)x1

Genes: ARL10 (ARF like GTPase 10; plus strand), B4GALT7 (beta-1,4-galactosyltransferase 7; plus strand), CDHR2 (cadherin related family member 2; plus strand), CLTB (clathrin light chain B; minus strand), DBN1 (drebrin 1; minus strand) and 35 more. Cytogenetic location: 5q35.2-35.3.
Variant type: copy number loss.
Change: copy number 1 (one copy instead of two) of chr5:175,332,333-177,469,711 (2.14 Mb, GRCh37 coordinates, 1-based), cytogenetic band 5q35.2-35.3.
Identifiers: ClinVar variation 2685186 (VCV002685186.2).

ClinVar aggregate classification (germline): Pathogenic (1 of 4 stars; one submission).

Submission:

Quest Diagnostics Nichols Institute San Juan Capistrano
Classification: Pathogenic. Last evaluated: 2024-08-26. Review status: criteria provided, single submitter. Criteria: ACMG/ClinGen CNV Guidelines, 2019. Collection method: clinical testing. Allele origin: unknown.
Comment: This loss is consistent with the 5q35 recurrent region (Rehm 2015: ISCA-37425), a.k.a. Sotos syndrome region, which includes the gene NSD1 (OMIM 606681; Rehm 2015: HGNC:14234). Haploinsufficiency of NSD1 is associated with autosomal dominant Sotos syndrome (OMIM 117550; Calcagni 2024, Tatton-Brown 2022). Thus, based on gene content and current medical literature, this chromosome 5q copy number variant (CNV) is classified as pathogenic. References : Calcagni et al., Diagnostics (Basel). 2024 Mar 11;14(6):594. PMID: 38535015 Rehm et al., N Engl J Med. 2015 Jun 4;372(23):2235-42. PMID: 26014595 Rehm et al., N Engl J Med. 2015 Jun 4;372(23):2235-42. PMID: 26014595 Tatton-Brown et al., GeneReviews [2022 Dec 1]. PMID: 20301652